The following is an entry in ClinVar:

NM_001127222.2(CACNA1A):c.6650A>G (p.His2217Arg)

Gene: CACNA1A (calcium voltage-gated channel subunit alpha1 A; minus strand). Cytogenetic location: 19p13.13.
Variant type: single nucleotide variant.
Coding change: c.6650A>G on transcript NM_001127222.2 (MANE Select); coding-DNA position 6650, A replaced by G.
Protein change: p.His2217Arg; replaces histidine 2217 with arginine.
Molecular consequence: missense variant.
Genome position (GRCh38, 1-based): chr19:13,208,886, T>C on the plus strand (A>G on the coding strand, the complement: CACNA1A is on the minus strand). VCF-style: chr19-13208886-T-C. GRCh37 (hg19) VCF-style: chr19-13319700-T-C.
Other names: c.6668A>G, p.His2223Arg (NM_000068.4, NM_023035.3); c.6653A>G, p.His2218Arg (NM_001127221.2); c.6659A>G, p.His2220Arg (NM_001174080.2); short protein forms H2223R, H2218R, H2217R, H2220R.
Identifiers: ClinVar variation 1754705 (VCV001754705.2), dbSNP rs2054686938, ClinGen allele CA404330444.

ClinVar aggregate classification (germline): Uncertain significance (1 of 4 stars; one submission).

Conditions:
Inborn genetic diseases. Identifiers: MedGen C0950123, MeSH D030342.

Allele frequency attached by ClinVar (database versions not stated): TOPMed below 0.00001.

Submission:

Ambry Genetics
Classification: Uncertain significance for Inborn genetic diseases. Last evaluated: 2017-11-02. Review status: criteria provided, single submitter. Criteria: Ambry Variant Classification Scheme 2023. Collection method: clinical testing. Allele origin: germline.
Comment: The p.H2218R variant (also known as c.6653A>G), located in coding exon 46 of the CACNA1A gene, results from an A to G substitution at nucleotide position 6653. The histidine at codon 2218 is replaced by arginine, an amino acid with highly similar properties. This amino acid position is highly conserved in available vertebrate species. In addition, the in silico prediction for this alteration is inconclusive. Since supporting evidence is limited at this time, the clinical significance of this alteration remains unclear.